The following is an entry in ClinVar:

ClinVar aggregate classification (germline): Conflicting classifications of pathogenicity. Review status: criteria provided, conflicting classifications (1 of 4 stars). 2 submissions from 2 submitters: Uncertain significance (1); Likely benign (1). Last evaluated 2025-10-29.

Conditions:
Inborn genetic diseases. Identifiers: MedGen C0950123, MeSH D030342.

Allele frequency attached by ClinVar (database versions not stated): gnomAD exomes 0.00004; ExAC 0.00006; TOPMed 0.00007; gnomAD 0.00010; ESP Exome Variant Server 0.00046.
gnomAD v4.1: 74 of 1,610,658 alleles (0.0046%); highest among the groups gnomAD compares: Middle Eastern, 0.016%; no homozygotes.

Submissions (2):

Labcorp Genetics (formerly Invitae), Labcorp
Classification: Uncertain significance. Last evaluated: 2025-10-29. Review status: criteria provided, single submitter. Criteria: Invitae Variant Classification Sherloc (09022015). Collection method: clinical testing. Allele origin: germline.
Comment: This sequence change replaces lysine, which is basic and polar, with arginine, which is basic and polar, at codon 293 of the SRP54 protein (p.Lys293Arg). This variant is present in population databases (rs150290957, gnomAD 0.01%). This variant has not been reported in the literature in individuals affected with SRP54-related conditions. ClinVar contains an entry for this variant (Variation ID: 1514665). Invitae Evidence Modeling of protein sequence and biophysical properties (such as structural, functional, and spatial information, amino acid conservation, physicochemical variation, residue mobility, and thermodynamic stability) indicates that this missense variant is not expected to disrupt SRP54 protein function with a negative predictive value of 80%. In summary, the available evidence is currently insufficient to determine the role of this variant in disease. Therefore, it has been classified as a Variant of Uncertain Significance.

Ambry Genetics
Classification: Likely benign for Inborn genetic diseases. Last evaluated: 2022-12-13. Review status: criteria provided, single submitter. Criteria: Ambry Variant Classification Scheme 2023. Collection method: clinical testing. Allele origin: germline.

NM_003136.4(SRP54):c.878A>G (p.Lys293Arg)

Gene: SRP54 (signal recognition particle 54; plus strand). Cytogenetic location: 14q13.2.
Variant type: single nucleotide variant.
Coding change: c.878A>G on transcript NM_003136.4 (MANE Select); coding-DNA position 878, A replaced by G.
Protein change: p.Lys293Arg; replaces lysine 293 with arginine.
Molecular consequence: missense variant.
Genome position (GRCh38, 1-based): chr14:35,013,894, A>G. VCF-style: chr14-35013894-A-G. GRCh37 (hg19) VCF-style: chr14-35483100-A-G.
Other names: c.731A>G, p.Lys244Arg (NM_001146282.2); c.878A>G (NM_003136.3); short protein forms K244R, K293R.
Identifiers: ClinVar variation 1514665 (VCV001514665.7), dbSNP rs150290957, ClinGen allele CA7153698.